The following is an entry in ClinVar:

NM_000218.3(KCNQ1):c.1478G>A (p.Gly493Glu)

Genes: KCNQ1 (potassium voltage-gated channel subfamily Q member 1; plus strand), KCNQ1OT1 (KCNQ1 opposite strand/antisense transcript 1; minus strand). Cytogenetic location: 11p15.5.
Variant type: single nucleotide variant.
Coding change: c.1478G>A on transcript NM_000218.3 (MANE Select); coding-DNA position 1478, G replaced by A.
Protein change: p.Gly493Glu; replaces glycine 493 with glutamic acid.
Molecular consequence: missense variant. On other transcripts: non-coding transcript variant (1).
Genome position (GRCh38, 1-based): chr11:2,662,045, G>A. VCF-style: chr11-2662045-G-A. GRCh37 (hg19) VCF-style: chr11-2683275-G-A.
Other names: c.1382G>A, p.Gly461Glu (NM_001406836.1); c.1208G>A, p.Gly403Glu (NM_001406837.1); c.938G>A, p.Gly313Glu (NM_001406838.1); c.1097G>A, p.Gly366Glu (NM_181798.2); short protein forms G313E, G366E, G493E, G403E, G461E.
Identifiers: ClinVar variation 2773479 (VCV002773479.2), dbSNP rs757452952, ClinGen allele CA379479713.

ClinVar aggregate classification (germline): Uncertain significance (1 of 4 stars; one submission).

Conditions:
Cardiac arrhythmia. Also called: Arrhythmia; Cardiac rhythm disease. Identifiers: MedGen C0003811, MONDO:0007263, HP:0011675.

Submission:

Color Diagnostics, LLC DBA Color Health
Classification: Uncertain significance for Cardiac arrhythmia. Last evaluated: 2022-12-24. Review status: criteria provided, single submitter. Criteria: ACMG Guidelines, 2015. Collection method: clinical testing. Allele origin: germline.
Comment: This missense variant replaces glycine with glutamic acid at codon 493 of the KCNQ1 protein. Computational prediction is inconclusive regarding the impact of this variant on protein structure and function (internally defined REVEL score threshold 0.5 < inconclusive < 0.7, PMID: 27666373). To our knowledge, functional studies have not been reported for this variant. This variant has not been reported in individuals affected with KCNQ1-related disorders in the literature. This variant has not been identified in the general population by the Genome Aggregation Database (gnomAD). The available evidence is insufficient to determine the role of this variant in disease conclusively. Therefore, this variant is classified as a Variant of Uncertain Significance.